The following is an entry in ClinVar:

ClinVar aggregate classification (germline): Uncertain significance (1 of 4 stars; one submission).

Submission:

Labcorp Genetics (formerly Invitae), Labcorp
Classification: Uncertain significance. Last evaluated: 2023-11-07. Review status: criteria provided, single submitter. Criteria: Invitae Variant Classification Sherloc (09022015). Collection method: clinical testing. Allele origin: germline.
Comment: This sequence change replaces serine, which is neutral and polar, with arginine, which is basic and polar, at codon 107 of the UROD protein (p.Ser107Arg). This variant is not present in population databases (gnomAD no frequency). This variant has not been reported in the literature in individuals affected with UROD-related conditions. Advanced modeling of protein sequence and biophysical properties (such as structural, functional, and spatial information, amino acid conservation, physicochemical variation, residue mobility, and thermodynamic stability) performed at Invitae indicates that this missense variant is not expected to disrupt UROD protein function with a negative predictive value of 80%. In summary, the available evidence is currently insufficient to determine the role of this variant in disease. Therefore, it has been classified as a Variant of Uncertain Significance.

NM_000374.5(UROD):c.321C>A (p.Ser107Arg)

Gene: UROD (uroporphyrinogen decarboxylase; plus strand). Cytogenetic location: 1p34.1.
Variant type: single nucleotide variant.
Coding change: c.321C>A on transcript NM_000374.5 (MANE Select); coding-DNA position 321, C replaced by A.
Protein change: p.Ser107Arg; replaces serine 107 with arginine.
Molecular consequence: missense variant. On other transcripts: non-coding transcript variant (3).
Genome position (GRCh38, 1-based): chr1:45,013,638, C>A. VCF-style: chr1-45013638-C-A. GRCh37 (hg19) VCF-style: chr1-45479310-C-A.
Other names: short protein forms S107R.
Identifiers: ClinVar variation 2694221 (VCV002694221.3), dbSNP rs2522917329, ClinGen allele CA340117594.